The following is an entry in ClinVar:

NM_014208.3(DSPP):c.2300G>A (p.Ser767Asn)

Genes: DMP1-AS1 (DMP1 and DSPP antisense RNA 1; minus strand), DSPP (dentin sialophosphoprotein; plus strand). Cytogenetic location: 4q22.1.
Variant type: single nucleotide variant.
Coding change: c.2300G>A on transcript NM_014208.3 (MANE Select); coding-DNA position 2300, G replaced by A.
Protein change: p.Ser767Asn; replaces serine 767 with asparagine.
Molecular consequence: missense variant.
Genome position (GRCh38, 1-based): chr4:87,614,962, G>A. VCF-style: chr4-87614962-G-A. GRCh37 (hg19) VCF-style: chr4-88536114-G-A.
Other names: short protein forms S767N.
Identifiers: ClinVar variation 2311185 (VCV002311185.2), dbSNP rs1263524662, ClinGen allele CA357609469.
Genomic context (GRCh38, chr4:87,614,962, plus strand): 5'-GTGACAGCAGCAACAGCAGTGACAGTAGCGATAGCAGTGACAGCAGCAACAGCAGTGACA[G>A]CAGTGATAGCAGTGACAGCAGTGATAGTAGTGACAGCAGCAACAGCAGTGATAGCAACGA-3'
Protein context (NP_055023.2, residues 757-777): DSSDSSNSSD[Ser767Asn]SDSSDSSDSS

ClinVar aggregate classification (germline): Uncertain significance (1 of 4 stars; one submission).

Conditions:
Inborn genetic diseases. Identifiers: MedGen C0950123, MeSH D030342.

Allele frequency attached by ClinVar (database versions not stated): gnomAD 0.00001; TOPMed 0.00001; gnomAD exomes 0.00002.

Submission:

Ambry Genetics
Classification: Uncertain significance for Inborn genetic diseases. Last evaluated: 2022-09-07. Review status: criteria provided, single submitter. Criteria: Ambry Variant Classification Scheme 2023. Collection method: clinical testing. Allele origin: germline.
Comment: The c.2300G>A (p.S767N) alteration is located in exon 5 (coding exon 4) of the DSPP gene. This alteration results from a G to A substitution at nucleotide position 2300, causing the serine (S) at amino acid position 767 to be replaced by an asparagine (N). Based on data from gnomAD, the A allele has an overall frequency of 0.001% (1/152190) total alleles studied. The highest observed frequency was 0.002% (1/57694) of European (non-Finnish) alleles. This amino acid position is well conserved in available vertebrate species. This alteration is predicted to be tolerated by in silico analysis. Based on insufficient or conflicting evidence, the clinical significance of this alteration remains unclear.